The following is an entry in ClinVar:

ClinVar aggregate classification (germline): Uncertain significance (1 of 4 stars; one submission).

Conditions:
MHC class I deficiency. Identifiers: Orphanet 34592, MedGen C6024714, MONDO:0011476.

Allele frequency attached by ClinVar (database versions not stated): gnomAD exomes below 0.00001; ExAC 0.00001.

Submission:

Labcorp Genetics (formerly Invitae), Labcorp
Classification: Uncertain significance for MHC class I deficiency 1. Last evaluated: 2023-10-12. Review status: criteria provided, single submitter. Criteria: Invitae Variant Classification Sherloc (09022015). Collection method: clinical testing. Allele origin: germline.
Comment: This sequence change replaces arginine, which is basic and polar, with histidine, which is basic and polar, at codon 394 of the TAPBP protein (p.Arg394His). The frequency data for this variant in the population databases is considered unreliable, as metrics indicate poor data quality at this position in the gnomAD database. This variant has not been reported in the literature in individuals affected with TAPBP-related conditions. ClinVar contains an entry for this variant (Variation ID: 466395). Algorithms developed to predict the effect of missense changes on protein structure and function output the following: SIFT: "Not Available"; PolyPhen-2: "Benign"; Align-GVGD: "Not Available". The histidine amino acid residue is found in multiple mammalian species, which suggests that this missense change does not adversely affect protein function. In summary, the available evidence is currently insufficient to determine the role of this variant in disease. Therefore, it has been classified as a Variant of Uncertain Significance.

NM_003190.5(TAPBP):c.1181G>A (p.Arg394His)

Gene: TAPBP (TAP binding protein; minus strand). Cytogenetic location: 6p21.32.
Variant type: single nucleotide variant.
Coding change: c.1181G>A on transcript NM_003190.5 (MANE Select); coding-DNA position 1181, G replaced by A.
Protein change: p.Arg394His; replaces arginine 394 with histidine.
Molecular consequence: missense variant.
Genome position (GRCh38, 1-based): chr6:33,304,326, C>T on the plus strand (G>A on the coding strand, the complement: TAPBP is on the minus strand). VCF-style: chr6-33304326-C-T. GRCh37 (hg19) VCF-style: chr6-33272103-C-T.
Other names: c.1181G>A, p.Arg394His (NM_172208.3); c.920G>A, p.Arg307His (NM_172209.3); short protein forms R394H, R307H.
Identifiers: ClinVar variation 466395 (VCV000466395.8), dbSNP rs763198738, ClinGen allele CA3755705.